The following is an entry in ClinVar:

ClinVar aggregate classification (germline): Uncertain significance. Review status: criteria provided, multiple submitters, no conflicts (2 of 4 stars). 2 submissions from 2 submitters: Uncertain significance (2). Last evaluated 2024-09-22.

Conditions:
Encephalopathy, neonatal severe, with lactic acidosis and brain abnormalities (NELABA). Also called: LIPOYLTRANSFERASE 2 DEFICIENCY; Lipoyl transferase 2 deficiency. Identifiers: Orphanet 447795, MedGen C5681203, MONDO:0060562, OMIM 617668.

Allele frequency attached by ClinVar (database versions not stated): gnomAD exomes below 0.00001; TOPMed below 0.00001.
gnomAD v4.1: 2 of 1,509,856 alleles (0.00013%); highest among the groups gnomAD compares: Non-Finnish European, 0.00018%; no homozygotes.

Submissions (2):

Genomic Medicine Center of Excellence, King Faisal Specialist Hospital and Research Centre
Classification: Uncertain significance for Encephalopathy, neonatal severe, with lactic acidosis and brain abnormalities. Last evaluated: 2024-09-22. Review status: criteria provided, single submitter. Criteria: ACMG Guidelines, 2015. Collection method: clinical testing. Allele origin: germline.

Baylor Genetics
Classification: Uncertain significance for Encephalopathy, neonatal severe, with lactic acidosis and brain abnormalities. Last evaluated: 2020-02-07. Review status: criteria provided, single submitter. Criteria: ACMG Guidelines, 2015. Collection method: clinical testing. Allele origin: unknown. Affected: yes.
Comment: This variant was determined to be of uncertain significance according to ACMG Guidelines, 2015 [PMID:25741868].

NM_001144869.3(LIPT2):c.284G>A (p.Gly95Asp)

Genes: LIPT2 (lipoyl(octanoyl) transferase 2; minus strand), LIPT2-AS1 (LIPT2 antisense RNA 1; plus strand). Cytogenetic location: 11q13.4.
Variant type: single nucleotide variant.
Coding change: c.284G>A on transcript NM_001144869.3 (MANE Select); coding-DNA position 284, G replaced by A.
Protein change: p.Gly95Asp; replaces glycine 95 with aspartic acid.
Molecular consequence: missense variant. On other transcripts: non-coding transcript variant (1), intron variant (1).
Genome position (GRCh38, 1-based): chr11:74,493,420, C>T on the plus strand (G>A on the coding strand, the complement: LIPT2 is on the minus strand). VCF-style: chr11-74493420-C-T. GRCh37 (hg19) VCF-style: chr11-74204465-C-T.
Other names: c.284G>A, p.Gly95Asp (NM_001329941.2); c.237+47G>A (NM_001329942.2); short protein forms G95D.
Identifiers: ClinVar variation 1031160 (VCV001031160.2), dbSNP rs1864397540, ClinGen allele CA381976703.